The following is an entry in ClinVar:

ClinVar aggregate classification (germline): Likely pathogenic (1 of 4 stars; one submission).

Conditions:
Dilated cardiomyopathy 1G (CMD1G). Identifiers: Orphanet 154, MedGen C1858763, MONDO:0011400, OMIM 604145.
Autosomal recessive limb-girdle muscular dystrophy type 2J (LGMDR10). Also called: Limb-girdle muscular dystrophy, type 2J; MUSCULAR DYSTROPHY, LIMB-GIRDLE, AUTOSOMAL RECESSIVE 10. Identifiers: Orphanet 140922, MedGen C1837342, MONDO:0012127, OMIM 608807.

Allele frequency attached by ClinVar (database versions not stated): TOPMed 0.00001.

Submission:

Labcorp Genetics (formerly Invitae), Labcorp
Classification: Likely pathogenic for Dilated cardiomyopathy 1G; Autosomal recessive limb-girdle muscular dystrophy type 2J. Last evaluated: 2023-12-14. Review status: criteria provided, single submitter. Criteria: Invitae Variant Classification Sherloc (09022015). Collection method: clinical testing. Allele origin: germline.
Comment: This sequence change creates a premature translational stop signal (p.Pro11774Glnfs*13) in the TTN gene. While this is not anticipated to result in nonsense mediated decay, it is expected to create a truncated TTN protein. This variant is not present in population databases (gnomAD no frequency). This variant has not been reported in the literature in individuals affected with TTN-related conditions. This variant is located in the I band of TTN (PMID: 25589632). Truncating variants in this region have been reported in individuals affected with autosomal recessive centronuclear myopathy (PMID: 23975875). Truncating variants in this region have also been identified in individuals affected with autosomal dominant dilated cardiomyopathy and/or cardio-related conditions (PMID: 27869827, 32964742). In summary, the currently available evidence indicates that the variant is pathogenic, but additional data are needed to prove that conclusively. Therefore, this variant has been classified as Likely Pathogenic.

Literature cited by the submitters: PubMed 25589632; PubMed 23975875; PubMed 27869827; PubMed 32964742.

NM_001267550.2(TTN):c.35321_35322del (p.Pro11774fs)

Gene: TTN (titin; minus strand). Cytogenetic location: 2q31.2.
Variant type: Deletion.
Coding change: c.35321_35322del on transcript NM_001267550.2 (MANE Select); coding-DNA positions 35321 to 35322, 2 bases deleted (CT; older notation c.35321_35322delCT).
Protein change: p.Pro11774fs; shifts the reading frame from proline 11774.
Molecular consequence: frameshift variant. On other transcripts: intron variant (3).
Genome position (GRCh38, 1-based): chr2:178,670,282-178,670,283, AG deleted on the plus strand (CT on the coding strand, the reverse complement: TTN is on the minus strand). VCF-style (leftmost placement, unchanged base first): chr2-178670281-TAG-T. GRCh37 (hg19) VCF-style: chr2-179535008-TAG-T.
Other names: c.34199_34200del, p.Pro11400fs (NM_001256850.1); c.31418_31419del, p.Pro10473fs (NM_133378.4); c.13283-27966_13283-27965del (NM_003319.4); c.13859-27966_13859-27965del (NM_133437.4); c.13658-27966_13658-27965del (NM_133432.3); short protein forms P11400fs, P11774fs, P10473fs.
Identifiers: ClinVar variation 2951136 (VCV002951136.3), dbSNP rs2066749314, ClinGen allele CA1039716007.